The following is an entry in ClinVar:

ClinVar aggregate classification (germline): Likely pathogenic (1 of 4 stars; one submission).

Conditions:
Marfan syndrome (MFS). Also called: FBN1-Related Marfan Syndrome; Marfan syndrome type 1; Marfan's syndrome; Marfan syndrome, classic; MARFAN SYNDROME, TYPE I. Identifiers: Orphanet 284963, Orphanet 558, MedGen C0024796, MONDO:0007947, OMIM 154700.

Submission:

Petrovsky National Research Centre of Surgery, The Federal Agency for Scientific Organizations
Classification: Likely pathogenic for Marfan syndrome. Last evaluated: 2019-08-29. Review status: criteria provided, single submitter. Criteria: ACMG Guidelines, 2015. Collection method: curation. Allele origin: inherited. Inheritance: Autosomal dominant inheritance. Affected: yes. Observed: 1 heterozygote.
Comment: There is a known different missense variant at 2402 codon (Asp2402His) that was reported on the dbSNP (rs1057524757) and ClinVar (Variation ID: 393048). The missense is affecting conserved residues important for calcium binding in EGF domains (PMID: 20591885). Prediction tools like Provean, SIFT, PolyPhen2 and MutationTaster show damaging effect. Based on this evidences c.7204G>A (Asp2402Asn) variant is classified as likely pathogenic.

NM_000138.5(FBN1):c.7204G>A (p.Asp2402Asn)

Gene: FBN1 (fibrillin 1; minus strand). Cytogenetic location: 15q21.1.
Variant type: single nucleotide variant.
Coding change: c.7204G>A on transcript NM_000138.5 (MANE Select); coding-DNA position 7204, G replaced by A.
Protein change: p.Asp2402Asn; replaces aspartic acid 2402 with asparagine.
Molecular consequence: missense variant.
Genome position (GRCh38, 1-based): chr15:48,427,567, C>T on the plus strand (G>A on the coding strand, the complement: FBN1 is on the minus strand). VCF-style: chr15-48427567-C-T. GRCh37 (hg19) VCF-style: chr15-48719764-C-T.
Other names: short protein forms D2402N.
Identifiers: ClinVar variation 638157 (VCV000638157.4), dbSNP rs1057524757, ClinGen allele CA392329026.
Genomic context (GRCh38, chr15:48,427,567, plus strand): 5'-TCACACAAAAAACAAATAAATAGATTCCCTGCAAGTATTTTTGGACTATAAATGAAGTAC[C>T]TGCTCCATTGGTCATGAATCCTCGGCCATGGGGACAGAGTTTCTTGAAAGCCACAGTCCC-3'
Protein context (NP_000129.3, residues 2392-2412): HGRGFMTNGA[Asp2402Asn]IDECKVIHDV